The following is an entry in ClinVar:

NM_017777.4(MKS1):c.156dup (p.Asp53fs)

Gene: MKS1 (MKS transition zone complex subunit 1; minus strand). Cytogenetic location: 17q22.
Variant type: Duplication.
Coding change: c.156dup on transcript NM_017777.4 (MANE Select); coding-DNA position 156, one base duplicated (A; older notation c.156dupA).
Protein change: p.Asp53fs; shifts the reading frame from aspartic acid 53.
Molecular consequence: frameshift variant. On other transcripts: 5 prime UTR variant (1).
Genome position (GRCh38, 1-based): chr17:58,218,654, T duplicated on the plus strand (A on the coding strand, the reverse complement: MKS1 is on the minus strand). VCF-style (leftmost placement, unchanged base first): chr17-58218653-C-CT. GRCh37 (hg19) VCF-style: chr17-56296014-C-CT.
Other names: c.-356dup (NM_001321268.2); c.156dup, p.Asp53fs (NM_001321269.2, NM_001330397.2, NM_001411113.1); short protein forms D53fs.
Identifiers: ClinVar variation 3755177 (VCV003755177.2).

ClinVar aggregate classification (germline): Pathogenic (1 of 4 stars; one submission).

Conditions:
Joubert syndrome. Also called: CEREBELLOPARENCHYMAL DISORDER IV; JOUBERT-BOLTSHAUSER SYNDROME; Familial aplasia of the vermis. Identifiers: Orphanet 475, MedGen C5979921, MONDO:0018772.
Meckel-Gruber syndrome. Also called: DYSENCEPHALIA SPLANCHNOCYSTICA; GRUBER SYNDROME; Dysencephalia splachnocystica. Identifiers: Orphanet 564, MedGen C0265215, MONDO:0018921.

Submission:

Labcorp Genetics (formerly Invitae), Labcorp
Classification: Pathogenic for Joubert syndrome; Meckel-Gruber syndrome. Last evaluated: 2024-03-07. Review status: criteria provided, single submitter. Criteria: Invitae Variant Classification Sherloc (09022015). Collection method: clinical testing. Allele origin: germline.
Comment: This sequence change creates a premature translational stop signal (p.Asp53Argfs*6) in the MKS1 gene. It is expected to result in an absent or disrupted protein product. Loss-of-function variants in MKS1 are known to be pathogenic (PMID: 19466712, 24886560, 26490104). This variant is not present in population databases (gnomAD no frequency). This variant has not been reported in the literature in individuals affected with MKS1-related conditions. For these reasons, this variant has been classified as Pathogenic.

Literature cited by the submitters: PubMed 19466712; PubMed 24886560; PubMed 26490104.